The following is an entry in ClinVar:

ClinVar aggregate classification (germline): Uncertain significance (1 of 4 stars; one submission).

Conditions:
Charcot-Marie-Tooth disease axonal type 2O. Also called: CHARCOT-MARIE-TOOTH NEUROPATHY, AXONAL, TYPE 2O; CHARCOT-MARIE-TOOTH DISEASE, AXONAL, AUTOSOMAL DOMINANT, TYPE 2O; Charcot-Marie-Tooth Neuropathy Type 2O; Charcot-Marie-Tooth disease, axonal, type 20. Identifiers: Orphanet 284232, MedGen C3280220, MONDO:0013644, OMIM 614228.

Submission:

Labcorp Genetics (formerly Invitae), Labcorp
Classification: Uncertain significance for Charcot-Marie-Tooth disease axonal type 2O. Last evaluated: 2022-11-01. Review status: criteria provided, single submitter. Criteria: Invitae Variant Classification Sherloc (09022015). Collection method: clinical testing. Allele origin: germline.
Comment: This variant has not been reported in the literature in individuals affected with DYNC1H1-related conditions. This variant is not present in population databases (gnomAD no frequency). This sequence change replaces glutamic acid, which is acidic and polar, with lysine, which is basic and polar, at codon 4310 of the DYNC1H1 protein (p.Glu4310Lys). Advanced modeling of protein sequence and biophysical properties (such as structural, functional, and spatial information, amino acid conservation, physicochemical variation, residue mobility, and thermodynamic stability) performed at Invitae indicates that this missense variant is not expected to disrupt DYNC1H1 protein function. In summary, the available evidence is currently insufficient to determine the role of this variant in disease. Therefore, it has been classified as a Variant of Uncertain Significance.

NM_001376.5(DYNC1H1):c.12928G>A (p.Glu4310Lys)

Gene: DYNC1H1 (dynein cytoplasmic 1 heavy chain 1; plus strand). Cytogenetic location: 14q32.31.
Variant type: single nucleotide variant.
Coding change: c.12928G>A on transcript NM_001376.5 (MANE Select); coding-DNA position 12928, G replaced by A.
Protein change: p.Glu4310Lys; replaces glutamic acid 4310 with lysine.
Molecular consequence: missense variant.
Genome position (GRCh38, 1-based): chr14:102,044,620, G>A. VCF-style: chr14-102044620-G-A. GRCh37 (hg19) VCF-style: chr14-102510957-G-A.
Other names: short protein forms E4310K.
Identifiers: ClinVar variation 2811225 (VCV002811225.3), dbSNP rs2503868381, ClinGen allele CA391044484.
Genomic context (GRCh38, chr14:102,044,620, plus strand): 5'-CCCTGACATCATTTCCAAATGCACTGGTTTTCTAGGCGAGAGGAGTTTGTGCAGTGGGTG[G>A]AGTTGCTCCCCGACACCCAGACGCCCTCCTGGCTGGGCCTGCCCAACAACGCCGAGAGAG-3'
Protein context (NP_001367.2, residues 4300-4320): IRREEFVQWV[Glu4310Lys]LLPDTQTPSW